The following is an entry in ClinVar:

ClinVar aggregate classification (germline): Likely benign. Review status: criteria provided, multiple submitters, no conflicts (2 of 4 stars). 10 submissions from 10 submitters: Likely benign (8). 2 of the submissions do not count toward it. Last evaluated 2026-01-13.

Conditions:
Cardiomyopathy (CMYO). Also called: Cardiomyopathies. Identifiers: Orphanet 167848, MedGen C0878544, MONDO:0004994, HP:0001638. Inheritance: Various modes of inheritance.
Cardiovascular phenotype. Identifiers: MedGen CN230736.
Hypertrophic cardiomyopathy. Also called: HYPERTROPHIC MYOCARDIOPATHY. Identifiers: Orphanet 217569, MedGen C0007194, MeSH D002312, MONDO:0005045, HP:0001639.

Allele frequency attached by ClinVar (database versions not stated): gnomAD 0.00002 and 0.00003; gnomAD exomes 0.00002 and 0.00003; TOPMed 0.00002; ExAC 0.00006; ESP Exome Variant Server 0.00015.
gnomAD v4.1: 30 of 1,614,060 alleles (0.0019%); highest among the groups gnomAD compares: Middle Eastern, 0.05%; no homozygotes.

Submissions (10):

Labcorp Genetics (formerly Invitae), Labcorp
Classification: Likely benign for Hypertrophic cardiomyopathy. Last evaluated: 2026-01-13. Review status: criteria provided, single submitter. Criteria: Invitae Variant Classification Sherloc (09022015). Collection method: clinical testing. Allele origin: germline.

Mayo Clinic Laboratories, Mayo Clinic
Classification: Likely benign. Last evaluated: 2025-09-18. Review status: criteria provided, single submitter. Criteria: ACMG Guidelines, 2015. Collection method: clinical testing. Allele origin: germline. Observed: 2 variant alleles.
Comment: BP4, BP7

Ambry Genetics
Classification: Likely benign for Cardiovascular phenotype. Last evaluated: 2025-02-15. Review status: criteria provided, single submitter. Criteria: Ambry Variant Classification Scheme 2023. Collection method: clinical testing. Allele origin: germline.

All of Us Research Program, National Institutes of Health
Classification: Likely benign for Cardiomyopathy. Last evaluated: 2023-12-01. Review status: criteria provided, single submitter. Criteria: ACMG Guidelines, 2015. Collection method: clinical testing. Allele origin: germline. Inheritance: Autosomal dominant inheritance. Observed: 5 variant alleles, 5 heterozygotes.
Comment: This study involves interpretation of variants in research participants for the purpose of population health screening. Participant phenotype was not available at the time of variant classification. Additional details can be found in publication PMID: 35346344, PMCID: PMC8962531

Blueprint Genetics
Classification: Likely benign. Last evaluated: 2022-09-21. Review status: criteria provided, single submitter. Criteria: ACMG Guidelines, 2015. Collection method: clinical testing. Allele origin: germline.

Women's Health and Genetics/Laboratory Corporation of America, LabCorp
Classification: Likely benign. Last evaluated: 2022-08-06. Review status: criteria provided, single submitter. Criteria: LabCorp Variant Classification Summary - May 2015. Collection method: clinical testing. Allele origin: germline.

Color Diagnostics, LLC DBA Color Health
Classification: Likely benign for Cardiomyopathy. Last evaluated: 2018-10-16. Review status: criteria provided, single submitter. Criteria: ACMG Guidelines, 2015. Collection method: clinical testing. Allele origin: germline.

Laboratory for Molecular Medicine, Mass General Brigham Personalized Medicine
Classification: Likely benign. Last evaluated: 2015-09-28. Review status: criteria provided, single submitter. Criteria: LMM Criteria. Collection method: clinical testing. Allele origin: germline. Observed: 1 variant allele.
Comment: p.Ser118Ser in exon 05 of MYH7: This variant is not expected to have clinical si gnificance because it does not alter an amino acid residue and is not located wi thin the splice consensus sequence. It has been identified in 3/16512 South Asia n chromosomes by the Exome Aggregation Consortium (ExAC; dbSNP rs368925624).

Clinical Genetics, Academic Medical Center
Classification: Benign. Review status: no assertion criteria provided. Collection method: clinical testing. Allele origin: germline. Affected: yes. Study: VKGL Data-share Consensus. Not counted in ClinVar's aggregate classification.

Genome Diagnostics Laboratory, University Medical Center Utrecht
Classification: Likely benign. Review status: no assertion criteria provided. Collection method: clinical testing. Allele origin: germline. Affected: yes. Study: VKGL Data-share Consensus. Not counted in ClinVar's aggregate classification.

NM_000257.4(MYH7):c.354G>A (p.Ser118=)

Gene: MYH7 (myosin heavy chain 7; minus strand). Cytogenetic location: 14q11.2.
Variant type: single nucleotide variant.
Coding change: c.354G>A on transcript NM_000257.4 (MANE Select); coding-DNA position 354, G replaced by A.
Protein change: p.Ser118=; no amino-acid change (serine 118 retained).
Molecular consequence: synonymous variant.
Genome position (GRCh38, 1-based): chr14:23,432,787, C>T on the plus strand (G>A on the coding strand, the complement: MYH7 is on the minus strand). VCF-style: chr14-23432787-C-T. GRCh37 (hg19) VCF-style: chr14-23901996-C-T.
Other names: p.Ser118=.
Identifiers: ClinVar variation 227597 (VCV000227597.25), dbSNP rs368925624, ClinGen allele CA037812.